The following is an entry in ClinVar:

ClinVar aggregate classification (germline): Conflicting classifications of pathogenicity. Review status: criteria provided, conflicting classifications (1 of 4 stars). 5 submissions from 5 submitters: Uncertain significance (1); Benign (1); Likely benign (1). 2 of the submissions do not count toward it. Last evaluated 2026-01-28.

Conditions:
Bloom syndrome (BLM). Also called: Bloom-Torre-Machacek syndrome. Identifiers: Orphanet 125, MedGen C0005859, MONDO:0008876, OMIM 210900.
Hereditary cancer-predisposing syndrome. Also called: Hereditary Cancer Syndrome; Neoplastic Syndromes, Hereditary; Hereditary neoplastic syndrome; Tumor predisposition. Identifiers: Orphanet 140162, MedGen C0027672, MeSH D009386, MONDO:0015356.
Olaparib response. Also called: Lynparza response. Identifiers: MedGen CN224080.

Allele frequency attached by ClinVar (database versions not stated): gnomAD 0.00001 and 0.00003; TOPMed 0.00001; gnomAD exomes 0.00003 and 0.00010; ExAC 0.00012.
gnomAD v4.1: 49 of 1,612,998 alleles (0.003%); highest among the groups gnomAD compares: South Asian, 0.043%; no homozygotes.

Submissions (5):

Labcorp Genetics (formerly Invitae), Labcorp
Classification: Benign for Bloom syndrome. Last evaluated: 2026-01-28. Review status: criteria provided, single submitter. Criteria: Invitae Variant Classification Sherloc (09022015). Collection method: clinical testing. Allele origin: germline.

Revvity Omics, Revvity
Classification: Uncertain significance for Bloom syndrome. Last evaluated: 2023-12-18. Review status: criteria provided, single submitter. Criteria: ACMG Guidelines, 2015. Collection method: clinical testing. Allele origin: germline.

Ambry Genetics
Classification: Likely benign for Hereditary cancer-predisposing syndrome. Last evaluated: 2022-06-28. Review status: criteria provided, single submitter. Criteria: Ambry Variant Classification Scheme 2023. Collection method: clinical testing. Allele origin: germline.

Department of Thoracic Surgery and State Key Laboratory of Genetic Engineering, Fudan University Shanghai Cancer Center
Classification: drug response for Olaparib response. Last evaluated: 2023-11-01. Review status: no assertion criteria provided. Collection method: research. Allele origin: germline. Affected: yes. Not counted in ClinVar's aggregate classification.
Comment: Germline variants of Holliday junction resolvase genes in multiple primary malignancies involving lung cancer lead to Olaparib sensitization.

Natera, Inc.
Classification: Likely benign for Bloom syndrome. Last evaluated: 2020-09-01. Review status: no assertion criteria provided. Collection method: clinical testing. Allele origin: germline. Not counted in ClinVar's aggregate classification.

NM_000057.4(BLM):c.3878A>G (p.Glu1293Gly)

Gene: BLM (BLM RecQ like helicase; plus strand). Cytogenetic location: 15q26.1.
Variant type: single nucleotide variant.
Coding change: c.3878A>G on transcript NM_000057.4 (MANE Select); coding-DNA position 3878, A replaced by G.
Protein change: p.Glu1293Gly; replaces glutamic acid 1293 with glycine.
Molecular consequence: missense variant.
Genome position (GRCh38, 1-based): chr15:90,811,208, A>G. VCF-style: chr15-90811208-A-G. GRCh37 (hg19) VCF-style: chr15-91354438-A-G.
Other names: c.3878A>G, p.Glu1293Gly (NM_001287246.2); c.3485A>G, p.Glu1162Gly (NM_001287247.2); c.2753A>G, p.Glu918Gly (NM_001287248.2); c.3878A>G (NM_000057.2); short protein forms E1162G, E1293G, E918G.
Identifiers: ClinVar variation 701143 (VCV000701143.18), dbSNP rs746979958, ClinGen allele CA7739152.